The following is an entry in ClinVar:

ClinVar aggregate classification (germline): Likely benign (1 of 4 stars; one submission).

gnomAD v4.1: 21 of 1,612,778 alleles (0.0013%); highest among the groups gnomAD compares: Non-Finnish European, 0.0018%; no homozygotes.

Submission:

CeGaT Center for Human Genetics Tuebingen
Classification: Likely benign. Last evaluated: 2026-04-01. Review status: criteria provided, single submitter. Criteria: CeGaT Center For Human Genetics Tuebingen Variant Classification Criteria Version 2. Collection method: clinical testing. Allele origin: germline. Affected: yes. Observed: 1 variant allele.
Comment: TTN: BP4, BP7

NM_001267550.2(TTN):c.11311+3471G>A

Gene: TTN (titin; minus strand). Cytogenetic location: 2q31.2.
Variant type: single nucleotide variant.
Coding change: c.11311+3471G>A on transcript NM_001267550.2 (MANE Select); 3471 bases into the intron after coding-DNA position 11311, G replaced by A.
Molecular consequence: intron variant. On other transcripts: synonymous variant (1).
Genome position (GRCh38, 1-based): chr2:178,749,653, C>T on the plus strand (G>A on the coding strand, the complement: TTN is on the minus strand). VCF-style: chr2-178749653-C-T. GRCh37 (hg19) VCF-style: chr2-179614380-C-T.
Other names: c.12747G>A, p.Glu4249= (NM_133379.5); c.10222+3471G>A (NM_003319.4); c.10798+3471G>A (NM_133437.4); c.10597+3471G>A (NM_133432.3); c.10360+3471G>A (NM_133378.4, NM_001256850.1).
Identifiers: ClinVar variation 4874015 (VCV004874015.2).
Genomic context (GRCh38, chr2:178,749,653, plus strand): 5'-ATATTTTCCATAAATTTCACCAATATTTTCGAATTGACTATTTTCTCTATAAGTGACAGG[C>T]TCCACTGTTAGATCTGAAACACTTTCAACTGCCCCTGAATTGTTTTCAGCAACACATTTA-3'